The following is an entry in ClinVar:

NM_199420.4(POLQ):c.1439G>A (p.Arg480His)

Gene: POLQ (DNA polymerase theta; minus strand). Cytogenetic location: 3q13.33.
Variant type: single nucleotide variant.
Coding change: c.1439G>A on transcript NM_199420.4 (MANE Select); coding-DNA position 1439, G replaced by A.
Protein change: p.Arg480His; replaces arginine 480 with histidine.
Molecular consequence: missense variant.
Genome position (GRCh38, 1-based): chr3:121,519,900, C>T on the plus strand (G>A on the coding strand, the complement: POLQ is on the minus strand). VCF-style: chr3-121519900-C-T. GRCh37 (hg19) VCF-style: chr3-121238747-C-T.
Other names: short protein forms R480H.
Identifiers: ClinVar variation 1772663 (VCV001772663.3), dbSNP rs747351072, ClinGen allele CA2563539.

ClinVar aggregate classification (germline): Uncertain significance (1 of 4 stars; one submission).

Allele frequency attached by ClinVar (database versions not stated): TOPMed 0.00001.
gnomAD v4.1: 11 of 1,602,824 alleles (0.00069%); highest among the groups gnomAD compares: Admixed American, 0.0017%; no homozygotes.

Submission:

Ambry Genetics
Classification: Uncertain significance. Last evaluated: 2023-07-19. Review status: criteria provided, single submitter. Criteria: Ambry Variant Classification Scheme 2023. Collection method: clinical testing. Allele origin: germline.
Comment: The p.R480H variant (also known as c.1439G>A), located in coding exon 9 of the POLQ gene, results from a G to A substitution at nucleotide position 1439. The arginine at codon 480 is replaced by histidine, an amino acid with highly similar properties. This amino acid position is conserved. In addition, this alteration is predicted to be deleterious by in silico analysis. Since supporting evidence is limited at this time, the clinical significance of this alteration remains unclear.